The following is an entry in ClinVar:

NM_001206999.2(CIT):c.4745C>T (p.Thr1582Ile)

Gene: CIT (citron rho-interacting serine/threonine kinase; minus strand). Cytogenetic location: 12q24.23.
Variant type: single nucleotide variant.
Coding change: c.4745C>T on transcript NM_001206999.2 (MANE Select); coding-DNA position 4745, C replaced by T.
Protein change: p.Thr1582Ile; replaces threonine 1582 with isoleucine.
Molecular consequence: missense variant.
Genome position (GRCh38, 1-based): chr12:119,712,287, G>A on the plus strand (C>T on the coding strand, the complement: CIT is on the minus strand). VCF-style: chr12-119712287-G-A. GRCh37 (hg19) VCF-style: chr12-120150092-G-A.
Other names: c.4619C>T, p.Thr1540Ile (NM_007174.3); short protein forms T1540I, T1582I.
Identifiers: ClinVar variation 2053905 (VCV002053905.4), dbSNP rs199525281, ClinGen allele CA6821123.

ClinVar aggregate classification (germline): Uncertain significance (1 of 4 stars; one submission).

Allele frequency attached by ClinVar (database versions not stated): TOPMed 0.00006; ExAC 0.00002; gnomAD 0.00007; ESP Exome Variant Server 0.00008.
gnomAD v4.1: 90 of 1,614,028 alleles (0.0056%); highest among the groups gnomAD compares: Non-Finnish European, 0.0074%; no homozygotes.

Submission:

Labcorp Genetics (formerly Invitae), Labcorp
Classification: Uncertain significance. Last evaluated: 2022-08-19. Review status: criteria provided, single submitter. Criteria: Invitae Variant Classification Sherloc (09022015). Collection method: clinical testing. Allele origin: germline.
Comment: This sequence change replaces threonine, which is neutral and polar, with isoleucine, which is neutral and non-polar, at codon 1582 of the CIT protein (p.Thr1582Ile). In summary, the available evidence is currently insufficient to determine the role of this variant in disease. Therefore, it has been classified as a Variant of Uncertain Significance. Algorithms developed to predict the effect of missense changes on protein structure and function are either unavailable or do not agree on the potential impact of this missense change (SIFT: "Deleterious"; PolyPhen-2: "Benign"; Align-GVGD: "Class C15"). This variant has not been reported in the literature in individuals affected with CIT-related conditions. This variant is present in population databases (rs199525281, gnomAD 0.007%).